The following is an entry in ClinVar:

ClinVar aggregate classification (germline): Uncertain significance. Review status: criteria provided, multiple submitters, no conflicts (2 of 4 stars). 5 submissions from 5 submitters: Uncertain significance (5). Last evaluated 2025-10-16.

Conditions:
Hereditary cancer-predisposing syndrome. Also called: Neoplastic Syndromes, Hereditary; Tumor predisposition; Hereditary Cancer Syndrome; Hereditary neoplastic syndrome. Identifiers: Orphanet 140162, MedGen C0027672, MeSH D009386, MONDO:0015356.
Colorectal cancer. Also called: Malignant Colorectal Neoplasm; Colorectal cancer, somatic. Identifiers: MedGen C0346629, MONDO:0005575, OMIM 114500.
Oligodontia-cancer predisposition syndrome. Also called: TOOTH AGENESIS-COLORECTAL CANCER SYNDROME. Identifiers: Orphanet 300576, MedGen C1837750, MONDO:0012075, OMIM 608615. Disease mechanism: loss of function.

Allele frequency attached by ClinVar (database versions not stated): TOPMed below 0.00001; gnomAD 0.00001; gnomAD exomes 0.00001; ExAC 0.00004; ESP Exome Variant Server 0.00008.
gnomAD v4.1: 16 of 1,571,994 alleles (0.001%); highest among the groups gnomAD compares: Non-Finnish European, 0.0014%; no homozygotes.

Submissions (5):

Ambry Genetics
Classification: Uncertain significance for Hereditary cancer-predisposing syndrome. Last evaluated: 2025-10-16. Review status: criteria provided, single submitter. Criteria: Ambry Variant Classification Scheme 2023. Collection method: clinical testing. Allele origin: germline.
Comment: The p.Y431N variant (also known as c.1291T>A), located in coding exon 5 of the AXIN2 gene, results from a T to A substitution at nucleotide position 1291. The tyrosine at codon 431 is replaced by asparagine, an amino acid with dissimilar properties. This amino acid position is not well conserved in available vertebrate species. In addition, this alteration is predicted to be tolerated by in silico analysis. Since supporting evidence is limited at this time, the clinical significance of this alteration remains unclear.

Labcorp Genetics (formerly Invitae), Labcorp
Classification: Uncertain significance for Oligodontia-cancer predisposition syndrome. Last evaluated: 2025-09-22. Review status: criteria provided, single submitter. Criteria: Invitae Variant Classification Sherloc (09022015). Collection method: clinical testing. Allele origin: germline.
Comment: This sequence change replaces tyrosine, which is neutral and polar, with asparagine, which is neutral and polar, at codon 431 of the AXIN2 protein (p.Tyr431Asn). This variant is not present in population databases (gnomAD no frequency). This variant has not been reported in the literature in individuals affected with AXIN2-related conditions. ClinVar contains an entry for this variant (Variation ID: 464534). Invitae Evidence Modeling of protein sequence and biophysical properties (such as structural, functional, and spatial information, amino acid conservation, physicochemical variation, residue mobility, and thermodynamic stability) indicates that this missense variant is not expected to disrupt AXIN2 protein function with a negative predictive value of 80%. In summary, the available evidence is currently insufficient to determine the role of this variant in disease. Therefore, it has been classified as a Variant of Uncertain Significance.

Baylor Genetics
Classification: Uncertain significance for Colorectal cancer. Last evaluated: 2024-03-22. Review status: criteria provided, single submitter. Criteria: ACMG Guidelines, 2015. Collection method: clinical testing. Allele origin: unknown.

GeneDx
Classification: Uncertain significance. Last evaluated: 2024-02-05. Review status: criteria provided, single submitter. Criteria: GeneDx Variant Classification Process June 2021. Collection method: clinical testing. Allele origin: germline. Affected: yes.
Comment: Not observed at significant frequency in large population cohorts (gnomAD); In silico analysis supports that this missense variant does not alter protein structure/function; Has not been previously published as pathogenic or benign to our knowledge; This variant is associated with the following publications: (PMID: 15735151)

Institute for Clinical Genetics, University Hospital TU Dresden, University Hospital TU Dresden
Classification: Uncertain significance. Last evaluated: 2021-11-03. Review status: criteria provided, single submitter. Criteria: ACMG Guidelines, 2015. Collection method: clinical testing. Allele origin: germline.

NM_004655.4(AXIN2):c.1291T>A (p.Tyr431Asn)

Gene: AXIN2 (axin 2; minus strand). Cytogenetic location: 17q24.1.
Variant type: single nucleotide variant.
Coding change: c.1291T>A on transcript NM_004655.4 (MANE Select); coding-DNA position 1291, T replaced by A.
Protein change: p.Tyr431Asn; replaces tyrosine 431 with asparagine.
Molecular consequence: missense variant.
Genome position (GRCh38, 1-based): chr17:65,537,745, A>T on the plus strand (T>A on the coding strand, the complement: AXIN2 is on the minus strand). VCF-style: chr17-65537745-A-T. GRCh37 (hg19) VCF-style: chr17-63533863-A-T.
Other names: c.1291T>A (LRG_296t1); c.1291T>A, p.Tyr431Asn (NM_001363813.1); short protein forms Y431N.
Identifiers: ClinVar variation 464534 (VCV000464534.19), dbSNP rs372987093, ClinGen allele CA8718683.